The following is an entry in ClinVar:

NM_022897.5(RANBP17):c.1953C>T (p.Gly651=)

Gene: RANBP17 (RAN binding protein 17; plus strand). Cytogenetic location: 5q35.1.
Variant type: single nucleotide variant.
Coding change: c.1953C>T on transcript NM_022897.5 (MANE Select); coding-DNA position 1953, C replaced by T.
Protein change: p.Gly651=; no amino-acid change (glycine 651 retained).
Molecular consequence: synonymous variant.
Genome position (GRCh38, 1-based): chr5:171,183,345, C>T. VCF-style: chr5-171183345-C-T. GRCh37 (hg19) VCF-style: chr5-170610349-C-T.
Identifiers: ClinVar variation 3057494 (VCV003057494.2), dbSNP rs774753172, ClinGen allele CA3557693.

ClinVar aggregate classification (germline): Likely benign (0 of 4 stars; one submission).

Conditions:
RANBP17-related disorder. Also called: RANBP17-related condition.

Allele frequency attached by ClinVar (database versions not stated): gnomAD exomes below 0.00001; ExAC 0.00001; TOPMed 0.00003.
gnomAD v4.1: 19 of 1,613,790 alleles (0.0012%); highest among the groups gnomAD compares: East Asian, 0.0067%; no homozygotes.

Submission:

PreventionGenetics, part of Exact Sciences
Classification: Likely benign for RANBP17-related condition. Last evaluated: 2019-02-26. Review status: no assertion criteria provided. Collection method: clinical testing. Allele origin: germline.
Comment: This variant is classified as likely benign based on ACMG/AMP sequence variant interpretation guidelines (Richards et al. 2015 PMID: 25741868, with internal and published modifications).